The following is an entry in ClinVar:

NM_002474.3(MYH11):c.2903A>C (p.Lys968Thr)

Gene: MYH11 (myosin heavy chain 11; minus strand). Cytogenetic location: 16p13.11.
Variant type: single nucleotide variant.
Coding change: c.2903A>C on transcript NM_002474.3 (MANE Select); coding-DNA position 2903, A replaced by C.
Protein change: p.Lys968Thr; replaces lysine 968 with threonine.
Molecular consequence: missense variant.
Genome position (GRCh38, 1-based): chr16:15,740,145, T>G on the plus strand (A>C on the coding strand, the complement: MYH11 is on the minus strand). VCF-style: chr16-15740145-T-G. GRCh37 (hg19) VCF-style: chr16-15834002-T-G.
Other names: c.2924A>C, p.Lys975Thr (NM_001040113.2, NM_001040114.2); c.2903A>C, p.Lys968Thr (NM_022844.3); short protein forms K968T, K975T.
Identifiers: ClinVar variation 4278833 (VCV004278833.1).

ClinVar aggregate classification (germline): Uncertain significance (1 of 4 stars; one submission).

Submission:

GeneDx
Classification: Uncertain significance. Last evaluated: 2025-04-03. Review status: criteria provided, single submitter. Criteria: GeneDx Variant Classification Process June 2021. Collection method: clinical testing. Allele origin: germline. Affected: yes.
Comment: Not observed at significant frequency in large population cohorts (gnomAD); In silico analysis supports that this missense variant has a deleterious effect on protein structure/function; Has not been previously published as pathogenic or benign to our knowledge